The following is an entry in ClinVar:

NM_002693.3(POLG):c.2248T>G (p.Phe750Val)

Gene: POLG (DNA polymerase gamma, catalytic subunit; minus strand). Cytogenetic location: 15q26.1.
Variant type: single nucleotide variant.
Coding change: c.2248T>G on transcript NM_002693.3 (MANE Select); coding-DNA position 2248, T replaced by G.
Protein change: p.Phe750Val; replaces phenylalanine 750 with valine.
Molecular consequence: missense variant.
Genome position (GRCh38, 1-based): chr15:89,323,421, A>C on the plus strand (T>G on the coding strand, the complement: POLG is on the minus strand). VCF-style: chr15-89323421-A-C. GRCh37 (hg19) VCF-style: chr15-89866652-A-C.
Other names: c.2248T>G, p.Phe750Val (NM_001126131.2); short protein forms F750V.
Identifiers: ClinVar variation 3384873 (VCV003384873.2).

ClinVar aggregate classification (germline): Uncertain significance. Review status: criteria provided, multiple submitters, no conflicts (2 of 4 stars). 2 submissions from 2 submitters: Uncertain significance (2). Last evaluated 2026-07-07.

Conditions:
POLG-related disorder. Also called: POLG-Related Spectrum Disorders; POLG-related condition; POLG-Related Disorders. Identifiers: MedGen C4763519.

gnomAD v4.1: 6 of 1,612,446 alleles (0.00037%); highest among the groups gnomAD compares: South Asian, 0.0066%; no homozygotes.

Submissions (2):

Myriad Genetics, Inc.
Classification: Uncertain significance for POLG-related disorder. Last evaluated: 2026-07-07. Review status: criteria provided, single submitter. Criteria: Myriad Autosomal Dominant, Autosomal Recessive and X-Linked Classification Criteria (2023). Collection method: clinical testing. Allele origin: unknown.
Comment: NM_002693.2(POLG):c.2248T>G(F750V) is a missense variant classified as a variant of uncertain significance in the context of POLG-related disorders. F750V has been observed in a case with relevant disease (PMID: 38471579). Relevant functional assessments of this variant are not available in the literature. F750V has been observed in referenced population frequency databases. In summary, there is insufficient evidence to classify NM_002693.2(POLG):c.2248T>G(F750V) as pathogenic or benign. Please note: this variant was assessed in the context of healthy population screening.

Women's Health and Genetics/Laboratory Corporation of America, LabCorp
Classification: Uncertain significance. Last evaluated: 2024-10-07. Review status: criteria provided, single submitter. Criteria: LabCorp Variant Classification Summary - May 2015. Collection method: clinical testing. Allele origin: germline.
Comment: Variant summary: POLG c.2248T>G (p.Phe750Val) results in a non-conservative amino acid change in the encoded protein sequence. Five of five in-silico tools predict a damaging effect of the variant on protein function. The variant allele was found at a frequency of 8e-06 in 251276 control chromosomes (gnomAD). c.2248T>G has been reported in the literature in a homozygous individual affected with features of Mitochondrial DNA Depletion Syndrome - POLG Related (e.g. Saha_2024). These data indicate that the variant may be associated with disease. To our knowledge, no experimental evidence demonstrating an impact on protein function has been reported. The following publication has been ascertained in the context of this evaluation (PMID: 38471579). No submitters have cited clinical-significance assessments for this variant to ClinVar. Based on the evidence outlined above, the variant was classified as VUS-possibly pathogenic.

Literature cited by the submitters: PubMed 38471579 (cited by Myriad Genetics, Inc. and Women's Health and Genetics/Laboratory Corporation of America, LabCorp).